The following is an entry in ClinVar:

ClinVar aggregate classification (germline): Uncertain significance (1 of 4 stars; one submission).

Conditions:
Ataxia-telangiectasia syndrome (AT). Also called: LOUIS-BAR SYNDROME; Cerebello-oculocutaneous telangiectasia; Immunodeficiency with ataxia telangiectasia; Ataxia telangiectasia (A-T); Ataxia-telangiectasia, complementation group D; AT, COMPLEMENTATION GROUP C. Identifiers: Orphanet 100, MedGen C0004135, MONDO:0008840, OMIM 208900.

Submission:

Labcorp Genetics (formerly Invitae), Labcorp
Classification: Uncertain significance for Ataxia-telangiectasia syndrome. Last evaluated: 2023-12-28. Review status: criteria provided, single submitter. Criteria: Invitae Variant Classification Sherloc (09022015). Collection method: clinical testing. Allele origin: germline.
Comment: This sequence change affects codon 2642 of the ATM mRNA. It is a 'silent' change, meaning that it does not change the encoded amino acid sequence of the ATM protein. It affects a nucleotide within the consensus splice site. This variant is not present in population databases (gnomAD no frequency). This variant has not been reported in the literature in individuals affected with ATM-related conditions. Algorithms developed to predict the effect of sequence changes on RNA splicing suggest that this variant may disrupt the consensus splice site. In summary, the available evidence is currently insufficient to determine the role of this variant in disease. Therefore, it has been classified as a Variant of Uncertain Significance.

NM_000051.4(ATM):c.7926A>G (p.Arg2642=)

Genes: ATM (ATM serine/threonine kinase; plus strand), C11orf65 (chromosome 11 open reading frame 65; minus strand). Cytogenetic location: 11q22.3.
Variant type: single nucleotide variant.
Coding change: c.7926A>G on transcript NM_000051.4 (MANE Select); coding-DNA position 7926, A replaced by G.
Protein change: p.Arg2642=; no amino-acid change (arginine 2642 retained).
Molecular consequence: synonymous variant. On other transcripts: intron variant (2).
Genome position (GRCh38, 1-based): chr11:108,332,899, A>G. VCF-style: chr11-108332899-A-G. GRCh37 (hg19) VCF-style: chr11-108203626-A-G.
Other names: c.7926A>G, p.Arg2642= (NM_001351834.2); c.641-23828T>C (NM_001330368.2); c.*38+2321T>C (NM_001351110.2).
Identifiers: ClinVar variation 2705995 (VCV002705995.3), dbSNP rs863224440, ClinGen allele CA476677484.